The following is an entry in ClinVar:

ClinVar aggregate classification (germline): Uncertain significance. Review status: criteria provided, multiple submitters, no conflicts (2 of 4 stars). 2 submissions from 2 submitters: Uncertain significance (2). Last evaluated 2026-01-11.

Conditions:
Fanconi anemia complementation group O. Also called: RAD51C-Related Fanconi Anemia. Identifiers: Orphanet 84, MedGen C3150653, MONDO:0013248, OMIM 613390.
Hereditary cancer-predisposing syndrome. Also called: Neoplastic Syndromes, Hereditary; Tumor predisposition; Hereditary Cancer Syndrome; Hereditary neoplastic syndrome. Identifiers: Orphanet 140162, MedGen C0027672, MeSH D009386, MONDO:0015356.

Allele frequency attached by ClinVar (database versions not stated): gnomAD 0.00001.

Submissions (2):

Labcorp Genetics (formerly Invitae), Labcorp
Classification: Uncertain significance for Fanconi anemia complementation group O. Last evaluated: 2026-01-11. Review status: criteria provided, single submitter. Criteria: Invitae Variant Classification Sherloc (09022015). Collection method: clinical testing. Allele origin: germline.
Comment: This sequence change falls in intron 7 of the RAD51C gene. It does not directly change the encoded amino acid sequence of the RAD51C protein. It affects a nucleotide within the consensus splice site. This variant is not present in population databases (gnomAD no frequency). This variant has not been reported in the literature in individuals affected with RAD51C-related conditions. ClinVar contains an entry for this variant (Variation ID: 538764). Variants that disrupt the consensus splice site are a relatively common cause of aberrant splicing (PMID: 17576681, 9536098). Studies have shown that this variant is associated with inconclusive levels of altered splicing (internal data). In summary, the available evidence is currently insufficient to determine the role of this variant in disease. Therefore, it has been classified as a Variant of Uncertain Significance.

Ambry Genetics
Classification: Uncertain significance for Hereditary cancer-predisposing syndrome. Last evaluated: 2022-08-04. Review status: criteria provided, single submitter. Criteria: Ambry Variant Classification Scheme 2023. Collection method: clinical testing. Allele origin: germline.
Comment: The c.965+4A>G intronic variant results from an A to G substitution 4 nucleotides after coding exon 7 in the RAD51C gene. This nucleotide position is well conserved in available vertebrate species. In silico splice site analysis for this alteration is inconclusive. Since supporting evidence is limited at this time, the clinical significance of this alteration remains unclear.

Literature cited by the submitters: PubMed 17576681 (cited by Labcorp Genetics (formerly Invitae), Labcorp); PubMed 9536098 (cited by Labcorp Genetics (formerly Invitae), Labcorp).

NM_058216.3(RAD51C):c.965+4A>G

Gene: RAD51C (RAD51 paralog C; plus strand). Cytogenetic location: 17q22.
Variant type: single nucleotide variant.
Coding change: c.965+4A>G on transcript NM_058216.3 (MANE Select); 4 bases into the intron after coding-DNA position 965, A replaced by G.
Molecular consequence: intron variant.
Genome position (GRCh38, 1-based): chr17:58,724,104, A>G. VCF-style: chr17-58724104-A-G. GRCh37 (hg19) VCF-style: chr17-56801465-A-G.
Identifiers: ClinVar variation 538764 (VCV000538764.9), dbSNP rs1555603065, ClinGen allele CA658798915.